The following is an entry in ClinVar:

NM_000297.4(PKD2):c.1246G>C (p.Asp416His)

Gene: PKD2 (polycystin 2, transient receptor potential cation channel; plus strand). Cytogenetic location: 4q22.1.
Variant type: single nucleotide variant.
Coding change: c.1246G>C on transcript NM_000297.4 (MANE Select); coding-DNA position 1246, G replaced by C.
Protein change: p.Asp416His; replaces aspartic acid 416 with histidine.
Molecular consequence: missense variant. On other transcripts: non-coding transcript variant (1).
Genome position (GRCh38, 1-based): chr4:88,043,384, G>C. VCF-style: chr4-88043384-G-C. GRCh37 (hg19) VCF-style: chr4-88964536-G-C.
Other names: short protein forms D416H.
Identifiers: ClinVar variation 2821966 (VCV002821966.3), dbSNP rs2475916191, ClinGen allele CA357615922.
Genomic context (GRCh38, chr4:88,043,384, plus strand): 5'-TCAAGAACAAGAGAGGAAACAGCTGCACAAGTTGCTAGCCTCAAGAAAAATGTCTGGCTG[G>C]ACCGAGGAACCAGGGCAACTTTTATTGACTTCTCAGTGTACAACGCCAACATTAACCTGT-3'
Protein context (NP_000288.1, residues 406-426): VASLKKNVWL[Asp416His]RGTRATFIDF

ClinVar aggregate classification (germline): Uncertain significance (1 of 4 stars; one submission).

Conditions:
Autosomal dominant polycystic kidney disease. Identifiers: Orphanet 730, MedGen C0085413, MONDO:0004691.

Allele frequency attached by ClinVar (database versions not stated): gnomAD exomes below 0.00001.
gnomAD v4.1: 1 of 1,614,032 alleles (0.000062%); highest among the groups gnomAD compares: Non-Finnish European, 0.000085%; no homozygotes.

Submission:

Labcorp Genetics (formerly Invitae), Labcorp
Classification: Uncertain significance for Autosomal dominant polycystic kidney disease. Last evaluated: 2025-07-10. Review status: criteria provided, single submitter. Criteria: Invitae Variant Classification Sherloc (09022015). Collection method: clinical testing. Allele origin: germline.
Comment: This sequence change replaces aspartic acid, which is acidic and polar, with histidine, which is basic and polar, at codon 416 of the PKD2 protein (p.Asp416His). This variant is not present in population databases (gnomAD no frequency). This variant has not been reported in the literature in individuals affected with PKD2-related conditions. ClinVar contains an entry for this variant (Variation ID: 2821966). Invitae Evidence Modeling of protein sequence and biophysical properties (such as structural, functional, and spatial information, amino acid conservation, physicochemical variation, residue mobility, and thermodynamic stability) indicates that this missense variant is expected to disrupt PKD2 protein function with a positive predictive value of 80%. In summary, the available evidence is currently insufficient to determine the role of this variant in disease. Therefore, it has been classified as a Variant of Uncertain Significance.